The following is an entry in ClinVar:

ClinVar aggregate classification (germline): Benign/Likely benign. Review status: criteria provided, multiple submitters, no conflicts (2 of 4 stars). 5 submissions from 5 submitters: Benign (2); Likely benign (2). 1 of the submissions does not count toward it. Last evaluated 2024-10-09.

Conditions:
Polycystic kidney disease, adult type (PKD1). Also called: Polycystic Kidney Disease 1, Autosomal Dominant; Polycystic kidney disease 1; Polycystic kidney disease 1, severe; POLYCYSTIC KIDNEY DISEASE, ADULT, TYPE I; Polycystic Kidney, Autosomal Dominant; POLYCYSTIC KIDNEY DISEASE 1 WITH OR WITHOUT POLYCYSTIC LIVER DISEASE. Identifiers: MedGen C3149841, MONDO:0008263, OMIM 173900.
Polycystic kidney disease. Also called: Polycystic kidney dysplasia; Kidney, Polycystic. Identifiers: MedGen C0022680, MeSH D007690, MONDO:0020642, HP:0000113.

Allele frequency attached by ClinVar (database versions not stated): gnomAD 0.00032 and 0.00035; TOPMed 0.00040; gnomAD exomes 0.00057; ExAC 0.00075; 1000 Genomes Project 0.00080; 1000 Genomes Project 30x 0.00094.
gnomAD v4.1: 629 of 1,607,308 alleles (0.039%); highest among the groups gnomAD compares: Middle Eastern, 0.32%; 1 homozygote.

Submissions (5):

Blueprint Genetics
Classification: Likely benign. Last evaluated: 2024-10-09. Review status: criteria provided, single submitter. Criteria: ACMG Guidelines, 2015. Collection method: clinical testing. Allele origin: germline.

CeGaT Center for Human Genetics Tuebingen
Classification: Benign. Last evaluated: 2022-09-01. Review status: criteria provided, single submitter. Criteria: CeGaT Center For Human Genetics Tuebingen Variant Classification Criteria Version 2. Collection method: clinical testing. Allele origin: germline. Affected: yes. Observed: 2 variant alleles.
Comment: PKD1: BS1, BS2

GeneDx
Classification: Likely benign. Last evaluated: 2020-07-21. Review status: criteria provided, single submitter. Criteria: GeneDx Variant Classification Process June 2021. Collection method: clinical testing. Allele origin: germline. Affected: yes.

ARUP Laboratories, Molecular Genetics and Genomics, ARUP Laboratories
Classification: Benign for Polycystic kidney disease, adult type. Last evaluated: 2019-05-29. Review status: criteria provided, single submitter. Criteria: ARUP Molecular Germline Variant Investigation Process. Collection method: clinical testing. Allele origin: germline.

Department of Pathology and Laboratory Medicine, Sinai Health System
Classification: Likely benign for Polycystic Kidney disease. Review status: no assertion criteria provided. Collection method: clinical testing. Allele origin: unknown. Affected: yes. Observed: 1 variant allele. Study: The Canadian Open Genetics Repository (COGR). Not counted in ClinVar's aggregate classification.
Comment: The PKD1 c.7490-10C>T variant was not identified in the literature nor was it identified in the ClinVar, GeneInsight-COGR, LOVD 3.0, and PKD1-LOVD, databases. The variant was identified in dbSNP (ID: rs201304767) as â€šÃ„ÃºNAâ€šÃ„Ã¹; in ADPKD Mutation Database 1X as Likely Neutral and in the 1000 Genomes Project in 4 of 5000 chromosomes (frequency: 0.0008). Furthermore, the variant was identified in control databases in 138 of 260822 chromosomes at a frequency of 0.0005 increasing the likelihood this could be a low frequency benign variant (Genome Aggregation Consortium Feb 27, 2017). In addition we cannot be certain that data from control databases is specific to PKD1 and not from one of the six PKD1 pseudogenes. The variant occurs outside of the splicing consensus sequence and in silico or computational prediction software programs (SpliceSiteFinder, MaxEntScan, NNSPLICE, GeneSplicer, HumanSpliceFinder) do not predict a difference in splicing. In summary, based on the above information, the clinical significance of this variant cannot be determined with certainty at this time although we would lean towards a more benign role for this variant. This variant is classified as likely benign.

NM_001009944.3(PKD1):c.7490-10C>T

Gene: PKD1 (polycystin 1, transient receptor potential channel interacting; minus strand). Cytogenetic location: 16p13.3.
Variant type: single nucleotide variant.
Coding change: c.7490-10C>T on transcript NM_001009944.3 (MANE Select); 10 bases into the intron before coding-DNA position 7490, C replaced by T.
Molecular consequence: intron variant.
Genome position (GRCh38, 1-based): chr16:2,106,314, G>A on the plus strand (C>T on the coding strand, the complement: PKD1 is on the minus strand). VCF-style: chr16-2106314-G-A. GRCh37 (hg19) VCF-style: chr16-2156315-G-A.
Other names: c.7490-10C>T (NM_000296.4).
Identifiers: ClinVar variation 811465 (VCV000811465.43), dbSNP rs201304767, ClinGen allele CA7831065.